The following is an entry in ClinVar:

ClinVar aggregate classification (germline): Benign. Review status: criteria provided, multiple submitters, no conflicts (2 of 4 stars). 2 submissions from 2 submitters: Benign (2). Last evaluated 2023-04-29.

Conditions:
Cataract 6 multiple types. Also called: CATARACT 6, CONGENITAL TOTAL; CATARACT 6, POSTERIOR POLAR; CATARACT, AGE-RELATED CORTICAL, 2. Identifiers: Orphanet 91492, MedGen C1861825, MONDO:0007288, OMIM 116600.

Allele frequency attached by ClinVar (database versions not stated): TOPMed 0.00015; gnomAD 0.00010 and 0.00009; ESP Exome Variant Server 0.00031; ExAC 0.00026.
gnomAD v4.1: 242 of 1,613,434 alleles (0.015%); highest among the groups gnomAD compares: East Asian, 0.0045%; no homozygotes.

Submissions (2):

Labcorp Genetics (formerly Invitae), Labcorp
Classification: Benign for Cataract 6 multiple types. Last evaluated: 2023-04-29. Review status: criteria provided, single submitter. Criteria: Invitae Variant Classification Sherloc (09022015). Collection method: clinical testing. Allele origin: germline.

Illumina Laboratory Services, Illumina
Classification: Benign for Cataract 6 multiple types. Last evaluated: 2018-01-13. Review status: criteria provided, single submitter. Criteria: ICSL Variant Classification Criteria 13 December 2019. Collection method: clinical testing. Allele origin: germline.
Comment: This variant was observed in the ICSL laboratory as part of a predisposition screen in an ostensibly healthy population. It had not been previously curated by ICSL or reported in the Human Gene Mutation Database (HGMD: prior to June 1st, 2018), and was therefore a candidate for classification through an automated scoring system. Utilizing variant allele frequency, disease prevalence and penetrance estimates, and inheritance mode, an automated score was calculated to assess if this variant is too frequent to cause the disease. Based on the score and internal cut-off values, a variant classified as benign is not then subjected to further curation. The score for this variant resulted in a classification of benign for this disease.

NM_004431.5(EPHA2):c.2730C>T (p.Ser910=)

Gene: EPHA2 (EPH receptor A2; minus strand). Cytogenetic location: 1p36.13.
Variant type: single nucleotide variant.
Coding change: c.2730C>T on transcript NM_004431.5 (MANE Select); coding-DNA position 2730, C replaced by T.
Protein change: p.Ser910=; no amino-acid change (serine 910 retained).
Molecular consequence: synonymous variant.
Genome position (GRCh38, 1-based): chr1:16,129,529, G>A on the plus strand (C>T on the coding strand, the complement: EPHA2 is on the minus strand). VCF-style: chr1-16129529-G-A. GRCh37 (hg19) VCF-style: chr1-16456024-G-A.
Other names: c.2568C>T, p.Ser856= (NM_001329090.2).
Identifiers: ClinVar variation 873860 (VCV000873860.11), dbSNP rs140726562, ClinGen allele CA624730.